The following is an entry in ClinVar:

NM_015047.3(EMC1):c.701T>C (p.Val234Ala)

Genes: EMC1 (ER membrane protein complex subunit 1; minus strand), EMC1-AS1 (EMC1 antisense RNA 1; plus strand). Cytogenetic location: 1p36.13.
Variant type: single nucleotide variant.
Coding change: c.701T>C on transcript NM_015047.3 (MANE Select); coding-DNA position 701, T replaced by C.
Protein change: p.Val234Ala; replaces valine 234 with alanine.
Molecular consequence: missense variant. On other transcripts: non-coding transcript variant (1).
Genome position (GRCh38, 1-based): chr1:19,240,382, A>G on the plus strand (T>C on the coding strand, the complement: EMC1 is on the minus strand). VCF-style: chr1-19240382-A-G. GRCh37 (hg19) VCF-style: chr1-19566876-A-G.
Other names: c.701T>C, p.Val234Ala (NM_001271427.2, NM_001271428.2, NM_001375820.1 and 1 more transcripts); c.635T>C, p.Val212Ala (NM_001271429.2); short protein forms V212A, V234A.
Identifiers: ClinVar variation 1041680 (VCV001041680.8), dbSNP rs1014402874, ClinGen allele CA18822359.

ClinVar aggregate classification (germline): Uncertain significance (1 of 4 stars; one submission).

Allele frequency attached by ClinVar (database versions not stated): gnomAD exomes below 0.00001.
gnomAD v4.1: 1 of 1,614,232 alleles (0.000062%); highest among the groups gnomAD compares: Non-Finnish European, 0.000085%; no homozygotes.

Submission:

Labcorp Genetics (formerly Invitae), Labcorp
Classification: Uncertain significance. Last evaluated: 2024-08-28. Review status: criteria provided, single submitter. Criteria: Invitae Variant Classification Sherloc (09022015). Collection method: clinical testing. Allele origin: germline.
Comment: This sequence change replaces valine, which is neutral and non-polar, with alanine, which is neutral and non-polar, at codon 234 of the EMC1 protein (p.Val234Ala). This variant is not present in population databases (gnomAD no frequency). This variant has not been reported in the literature in individuals affected with EMC1-related conditions. ClinVar contains an entry for this variant (Variation ID: 1041680). Invitae Evidence Modeling of protein sequence and biophysical properties (such as structural, functional, and spatial information, amino acid conservation, physicochemical variation, residue mobility, and thermodynamic stability) indicates that this missense variant is not expected to disrupt EMC1 protein function with a negative predictive value of 80%. In summary, the available evidence is currently insufficient to determine the role of this variant in disease. Therefore, it has been classified as a Variant of Uncertain Significance.